The following is an entry in ClinVar:

NM_001144967.3(NEDD4L):c.155C>T (p.Ala52Val)

Gene: NEDD4L (NEDD4 like E3 ubiquitin protein ligase; plus strand). Cytogenetic location: 18q21.31.
Variant type: single nucleotide variant.
Coding change: c.155C>T on transcript NM_001144967.3 (MANE Select); coding-DNA position 155, C replaced by T.
Protein change: p.Ala52Val; replaces alanine 52 with valine.
Molecular consequence: missense variant. On other transcripts: 5 prime UTR variant (5).
Genome position (GRCh38, 1-based): chr18:58,245,459, C>T. VCF-style: chr18-58245459-C-T. GRCh37 (hg19) VCF-style: chr18-55912691-C-T.
Other names: c.-209C>T (NM_001144964.1, NM_001144965.2, NM_001144966.3 and 2 more transcripts); c.131C>T, p.Ala44Val (NM_001144968.2, NM_001144969.2); c.155C>T, p.Ala52Val (NM_001243960.2, NM_015277.6); short protein forms A52V, A44V.
Identifiers: ClinVar variation 2996340 (VCV002996340.3), dbSNP rs2047140223, ClinGen allele CA402715632.

ClinVar aggregate classification (germline): Uncertain significance (1 of 4 stars; one submission).

Allele frequency attached by ClinVar (database versions not stated): TOPMed below 0.00001.
gnomAD v4.1: 2 of 1,580,412 alleles (0.00013%); highest among the groups gnomAD compares: Non-Finnish European, 0.00017%; no homozygotes.

Submission:

Labcorp Genetics (formerly Invitae), Labcorp
Classification: Uncertain significance. Last evaluated: 2025-03-07. Review status: criteria provided, single submitter. Criteria: Invitae Variant Classification Sherloc (09022015). Collection method: clinical testing. Allele origin: germline.
Comment: This sequence change replaces alanine, which is neutral and non-polar, with valine, which is neutral and non-polar, at codon 52 of the NEDD4L protein (p.Ala52Val). This variant is not present in population databases (gnomAD no frequency). This variant has not been reported in the literature in individuals affected with NEDD4L-related conditions. ClinVar contains an entry for this variant (Variation ID: 2996340). Invitae Evidence Modeling of protein sequence and biophysical properties (such as structural, functional, and spatial information, amino acid conservation, physicochemical variation, residue mobility, and thermodynamic stability) indicates that this missense variant is not expected to disrupt NEDD4L protein function with a negative predictive value of 80%. In summary, the available evidence is currently insufficient to determine the role of this variant in disease. Therefore, it has been classified as a Variant of Uncertain Significance.